The following is an entry in ClinVar:

ClinVar aggregate classification (germline): Uncertain significance (1 of 4 stars; one submission).

gnomAD v4.1: 1 of 1,613,924 alleles (0.000062%); highest among the groups gnomAD compares: Non-Finnish European, 0.000085%; no homozygotes.

Submission:

Athena Diagnostics
Classification: Uncertain significance. Last evaluated: 2025-08-21. Review status: criteria provided, single submitter. Criteria: Athena Diagnostics Criteria. Collection method: clinical testing. Allele origin: unknown.
Comment: Available data are insufficient to determine the clinical significance of the variant at this time. The frequency of this variant in the general population is uninformative in assessment of its pathogenicity. Polyphen and MutationTaster predict this amino acid change may be benign.

NM_001267550.2(TTN):c.13325T>G (p.Met4442Arg)

Gene: TTN (titin; minus strand). Cytogenetic location: 2q31.2.
Variant type: single nucleotide variant.
Coding change: c.13325T>G on transcript NM_001267550.2 (MANE Select); coding-DNA position 13325, T replaced by G.
Protein change: p.Met4442Arg; replaces methionine 4442 with arginine.
Molecular consequence: missense variant. On other transcripts: intron variant (1).
Genome position (GRCh38, 1-based): chr2:178,739,908, A>C on the plus strand (T>G on the coding strand, the complement: TTN is on the minus strand). VCF-style: chr2-178739908-A-C. GRCh37 (hg19) VCF-style: chr2-179604635-A-C.
Other names: c.12374T>G, p.Met4125Arg (NM_001256850.1); c.12236T>G, p.Met4079Arg (NM_003319.4); c.12611T>G, p.Met4204Arg (NM_133432.3); c.12812T>G, p.Met4271Arg (NM_133437.4); c.10361-1548T>G (NM_133378.4); short protein forms M4079R, M4125R, M4204R, M4271R, M4442R.
Identifiers: ClinVar variation 4682286 (VCV004682286.1).